The following is an entry in ClinVar:

NM_000065.5(C6):c.226C>T (p.Gln76Ter)

Gene: C6 (complement C6; minus strand). Cytogenetic location: 5p13.1.
Variant type: single nucleotide variant.
Coding change: c.226C>T on transcript NM_000065.5 (MANE Select); coding-DNA position 226, C replaced by T.
Protein change: p.Gln76Ter; replaces glutamine 76 with a stop codon.
Molecular consequence: nonsense.
Genome position (GRCh38, 1-based): chr5:41,201,632, G>A on the plus strand (C>T on the coding strand, the complement: C6 is on the minus strand). VCF-style: chr5-41201632-G-A. GRCh37 (hg19) VCF-style: chr5-41201734-G-A.
Other names: c.226C>T, p.Gln76Ter (NM_001115131.4); short protein forms Q76*.
Identifiers: ClinVar variation 2997037 (VCV002997037.3), dbSNP rs1404303337, ClinGen allele CA359605256.

ClinVar aggregate classification (germline): Pathogenic (1 of 4 stars; one submission).

Allele frequency attached by ClinVar (database versions not stated): gnomAD exomes 0.00001.
gnomAD v4.1: 12 of 1,613,578 alleles (0.00074%); highest among the groups gnomAD compares: Non-Finnish European, 0.00093%; no homozygotes.

Submission:

Labcorp Genetics (formerly Invitae), Labcorp
Classification: Pathogenic. Last evaluated: 2023-12-09. Review status: criteria provided, single submitter. Criteria: Invitae Variant Classification Sherloc (09022015). Collection method: clinical testing. Allele origin: germline.
Comment: This sequence change creates a premature translational stop signal (p.Gln76*) in the C6 gene. It is expected to result in an absent or disrupted protein product. Loss-of-function variants in C6 are known to be pathogenic (PMID: 17257682). This variant is present in population databases (no rsID available, gnomAD 0.0009%). This variant has not been reported in the literature in individuals affected with C6-related conditions. Algorithms developed to predict the effect of sequence changes on RNA splicing suggest that this variant may disrupt the consensus splice site. For these reasons, this variant has been classified as Pathogenic.

Literature cited by the submitters: PubMed 17257682.